The following is an entry in ClinVar:

ClinVar aggregate classification (germline): Pathogenic/Likely pathogenic. Review status: criteria provided, multiple submitters, no conflicts (2 of 4 stars). 8 submissions from 8 submitters: Pathogenic (7); Likely pathogenic (1). Last evaluated 2026-03-26.

Conditions:
Biotin-responsive basal ganglia disease (BTBGD). Also called: thiamine-responsive encephalopathy; Thiamine Transporter-2 Deficiency; Thiamine metabolism dysfunction syndrome 2 (biotin- or thiamine-responsive encephalopathy type 2); Thiamine metabolism dysfunction syndrome type 2; THIAMINE METABOLISM DYSFUNCTION SYNDROME 2 (BIOTIN- AND THIAMINE-RESPONSIVE TYPE). Identifiers: Orphanet 199348, Orphanet 65284, MedGen C1843807, MONDO:0011841, OMIM 607483.

Submissions (8):

Myriad Genetics, Inc.
Classification: Pathogenic for Biotin-responsive basal ganglia disease. Last evaluated: 2026-03-26. Review status: criteria provided, single submitter. Criteria: Myriad Autosomal Dominant, Autosomal Recessive and X-Linked Classification Criteria (2023). Collection method: clinical testing. Allele origin: unknown.
Comment: NM_025243.3(SLC19A3):c.597dupT(H200Sfs*25) is a frameshift variant classified as pathogenic in the context of biotin-thiamine-responsive basal ganglia disease. H200Sfs*25 has been observed in cases with relevant disease (PMID: 36007526, 32020600). Relevant functional assessments of this variant are not available in the literature. H200Sfs*25 has been observed in referenced population frequency databases. In summary, NM_025243.3(SLC19A3):c.597dupT(H200Sfs*25) is a frameshift variant in a gene where loss of function is a known mechanism of disease, is predicted to disrupt protein function, and has been observed more frequently in cases with the relevant disease than in healthy populations. Please note: this variant was assessed in the context of healthy population screening.

3billion
Classification: Pathogenic for Biotin-responsive basal ganglia disease. Last evaluated: 2025-12-31. Review status: criteria provided, single submitter. Criteria: ACMG Guidelines, 2015. Collection method: clinical testing. Allele origin: germline. Affected: yes.
Comment: The variant is observed at an extremely low frequency in the gnomAD v4.1.0 dataset (total allele frequency: <0.001%). Predicted Consequence/Location: Frameshift: predicted to result in a loss or disruption of normal protein function through nonsense-mediated decay (NMD) or protein truncation. Multiple pathogenic variants are reported downstream of the variant. The variant has been reported at least twice as pathogenic with clinical assertions and evidence for the classification (ClinVar ID: VCV000533549 /PMID: 32020600 /3billion dataset). Therefore, this variant is classified as Pathogenic according to the recommendation of ACMG/AMP guideline.

Labcorp Genetics (formerly Invitae), Labcorp
Classification: Pathogenic for Biotin-responsive basal ganglia disease. Last evaluated: 2025-02-06. Review status: criteria provided, single submitter. Criteria: Invitae Variant Classification Sherloc (09022015). Collection method: clinical testing. Allele origin: germline.
Comment: This sequence change creates a premature translational stop signal (p.His200Serfs*25) in the SLC19A3 gene. It is expected to result in an absent or disrupted protein product. Loss-of-function variants in SLC19A3 are known to be pathogenic (PMID: 23423671, 23482991). This variant is present in population databases (no rsID available, gnomAD 0.003%). This variant has not been reported in the literature in individuals affected with SLC19A3-related conditions. ClinVar contains an entry for this variant (Variation ID: 533549). For these reasons, this variant has been classified as Pathogenic.

Clinical Genomics Laboratory, Stanford Medicine
Classification: Pathogenic for Biotin-responsive basal ganglia disease. Last evaluated: 2022-09-13. Review status: criteria provided, single submitter. Criteria: ACMG Guidelines, 2015. Collection method: clinical testing. Allele origin: germline. Inheritance: Autosomal recessive inheritance. Observed: 2 variant alleles, 2 heterozygotes. Clinical features observed: NF1, autism, intellectual disability with episodic global regression.
Comment: The p.His200Serfs*25 variant in the SLC19A3 gene has been previously reported in the homozygous state in 2 individuals with biotin-thiamine-responsive basal ganglia disease (PMID: 32600842; PMID: 34077649), as well as in the compound heterozygous state in an individual with Leigh syndrome (PMID: 32020600) and the homozygous state in an individual with suspected mitochondrial disease (PMID: 34490615) This variant has been identified in 1/251,442 chromosomes by the Genome Aggregation Database. Although this variant has been seen in the general population, its frequency is low enough to be consistent with a recessive carrier frequency. This variant is present in ClinVar (Accession: VCV000533549.13). The p.His200Serfs*25 variant results in a 1 bp duplication in exon 3 of 6 exons, causing a shift in the protein reading frame and leading to a premature termination codon 25 amino acids downstream. This variant is therefore predicted to undergo nonsense-mediated decay resulting in a truncated or absent protein. Loss of function is an established mechanism of disease for the SLC19A3 gene. These data were assessed using the ACMG/AMP variant interpretation guidelines. In summary, there is sufficient evidence to classify the p.His200Serfs*25 variant as pathogenic for autosomal recessive biotinthiamine-responsive basal ganglia disease based on the information above. [ACMG evidence codes used: PVS1; PM2; PM3]

Fulgent Genetics
Classification: Pathogenic for Biotin-responsive basal ganglia disease. Last evaluated: 2022-05-06. Review status: criteria provided, single submitter. Criteria: ACMG Guidelines, 2015. Collection method: clinical testing. Allele origin: unknown.

GeneDx
Classification: Pathogenic. Last evaluated: 2021-10-20. Review status: criteria provided, single submitter. Criteria: GeneDx Variant Classification Process June 2021. Collection method: clinical testing. Allele origin: germline. Affected: yes.
Comment: Not observed at significant frequency in large population cohorts (gnomAD); Frameshift variant predicted to result in protein truncation or nonsense mediated decay in a gene for which loss-of-function is a known mechanism of disease; This variant is associated with the following publications: (PMID: 32020600, 31589614, 32600842, 34426522, 34077649)

Rady Children's Institute for Genomic Medicine, Rady Children's Hospital San Diego
Classification: Pathogenic for Biotin-thiamine-responsive basal ganglia disease. Last evaluated: 2020-10-29. Review status: criteria provided, single submitter. Criteria: ACMG Guidelines, 2015. Collection method: clinical testing. Allele origin: germline. Affected: yes.
Comment: This frameshifting variant in exon 3 of 6 introduces a premature stop codon and is therefore predicted to result in loss of normal protein function through either protein truncation or nonsense-mediated mRNA decay (NMD). This variant has been previously reported as a compound heterozygous change in a patient with biotin-responsive basal ganglia disease (BBGD) (PMID: 32020600). It is present in the heterozygous state in the gnomAD population database at a frequency of 0.0004% (1/251442) and thus is presumed to be rare. Based on the available evidence, the c.597dup (p.His200SerfsTer25) variant is classified as Pathogenic.

Institute of Medical Genetics and Applied Genomics, University Hospital Tübingen
Classification: Likely pathogenic. Last evaluated: 2020-10-23. Review status: criteria provided, single submitter. Criteria: ACMG Guidelines, 2015. Collection method: clinical testing. Allele origin: germline. Inheritance: Unknown mechanism. Affected: yes.

Literature cited by the submitters: PubMed 32020600 (cited by 3 submitters); PubMed 36007526 (cited by Myriad Genetics, Inc.); PubMed 23423671 (cited by Labcorp Genetics (formerly Invitae), Labcorp); PubMed 23482991 (cited by Labcorp Genetics (formerly Invitae), Labcorp); PubMed 32600842 (cited by Clinical Genomics Laboratory, Stanford Medicine); PubMed 34077649 (cited by Clinical Genomics Laboratory, Stanford Medicine); PubMed 34490615 (cited by Clinical Genomics Laboratory, Stanford Medicine).

NM_025243.4(SLC19A3):c.597dup (p.His200fs)

Gene: SLC19A3 (solute carrier family 19 member 3; minus strand). Cytogenetic location: 2q36.3.
Variant type: Duplication.
Coding change: c.597dup on transcript NM_025243.4 (MANE Select); coding-DNA position 597, one base duplicated (T; older notation c.597dupT).
Protein change: p.His200fs; shifts the reading frame from histidine 200.
Molecular consequence: frameshift variant.
Genome position (GRCh38, 1-based): chr2:227,699,118, A duplicated on the plus strand (T on the coding strand, the reverse complement: SLC19A3 is on the minus strand); the first of 6 consecutive A bases (chr2:227,699,118-227,699,123); duplicating any one gives the same sequence. VCF-style (leftmost placement, unchanged base first): chr2-227699117-G-GA. GRCh37 (hg19) VCF-style: chr2-228563833-G-GA.
Other names: c.597dupT (NM_025243.3); short protein forms H200fs.
Identifiers: ClinVar variation 533549 (VCV000533549.17), dbSNP rs773140674, ClinGen allele CA431664295.